The following is an entry in ClinVar:

ClinVar aggregate classification (germline): Uncertain significance. Review status: criteria provided, multiple submitters, no conflicts (2 of 4 stars). 2 submissions from 2 submitters: Uncertain significance (2). Last evaluated 2026-07-13.

Conditions:
Legius syndrome. Identifiers: Orphanet 137605, MedGen C1969623, MONDO:0012669, OMIM 611431. Disease mechanism: loss of function.
Cardiovascular phenotype. Identifiers: MedGen CN230736.

Submissions (2):

Ambry Genetics
Classification: Uncertain significance for Cardiovascular phenotype. Last evaluated: 2026-07-13. Review status: criteria provided, single submitter. Criteria: Ambry Variant Classification Scheme 2023. Collection method: clinical testing. Allele origin: germline.
Comment: The p.D298V variant (also known as c.893A>T), located in coding exon 7 of the SPRED1 gene, results from an A to T substitution at nucleotide position 893. The aspartic acid at codon 298 is replaced by valine, an amino acid with highly dissimilar properties. This amino acid position is conserved. In addition, the in silico prediction for this alteration is inconclusive. Based on the available evidence, the clinical significance of this variant remains unclear.

Labcorp Genetics (formerly Invitae), Labcorp
Classification: Uncertain significance for Legius syndrome. Last evaluated: 2024-12-30. Review status: criteria provided, single submitter. Criteria: Invitae Variant Classification Sherloc (09022015). Collection method: clinical testing. Allele origin: germline.
Comment: This sequence change replaces aspartic acid, which is acidic and polar, with valine, which is neutral and non-polar, at codon 298 of the SPRED1 protein (p.Asp298Val). This variant is not present in population databases (gnomAD no frequency). This variant has not been reported in the literature in individuals affected with SPRED1-related conditions. Invitae Evidence Modeling of protein sequence and biophysical properties (such as structural, functional, and spatial information, amino acid conservation, physicochemical variation, residue mobility, and thermodynamic stability) indicates that this missense variant is not expected to disrupt SPRED1 protein function with a negative predictive value of 80%. In summary, the available evidence is currently insufficient to determine the role of this variant in disease. Therefore, it has been classified as a Variant of Uncertain Significance.

NM_152594.3(SPRED1):c.893A>T (p.Asp298Val)

Gene: SPRED1 (sprouty related EVH1 domain containing 1; plus strand). Cytogenetic location: 15q14.
Variant type: single nucleotide variant.
Coding change: c.893A>T on transcript NM_152594.3 (MANE Select); coding-DNA position 893, A replaced by T.
Protein change: p.Asp298Val; replaces aspartic acid 298 with valine.
Molecular consequence: missense variant.
Genome position (GRCh38, 1-based): chr15:38,351,222, A>T. VCF-style: chr15-38351222-A-T. GRCh37 (hg19) VCF-style: chr15-38643423-A-T.
Other names: c.893A>T (NM_152594.2); short protein forms D298V.
Identifiers: ClinVar variation 3685808 (VCV003685808.3).